The following is an entry in ClinVar:

NM_000138.5(FBN1):c.3772C>T (p.Pro1258Ser)

Gene: FBN1 (fibrillin 1; minus strand). Cytogenetic location: 15q21.1.
Variant type: single nucleotide variant.
Coding change: c.3772C>T on transcript NM_000138.5 (MANE Select); coding-DNA position 3772, C replaced by T.
Protein change: p.Pro1258Ser; replaces proline 1258 with serine.
Molecular consequence: missense variant.
Genome position (GRCh38, 1-based): chr15:48,483,884, G>A on the plus strand (C>T on the coding strand, the complement: FBN1 is on the minus strand). VCF-style: chr15-48483884-G-A. GRCh37 (hg19) VCF-style: chr15-48776081-G-A.
Other names: short protein forms P1258S.
Identifiers: ClinVar variation 42341 (VCV000042341.14), dbSNP rs397515795, ClinGen allele CA014524.

ClinVar aggregate classification (germline): Uncertain significance. Review status: criteria provided, multiple submitters, no conflicts (2 of 4 stars). 3 submissions from 3 submitters: Uncertain significance (3). Last evaluated 2023-02-03.

Conditions:
Marfan syndrome (MFS). Also called: FBN1-Related Marfan Syndrome; Marfan syndrome, classic; MARFAN SYNDROME, TYPE I; Marfan syndrome type 1; Marfan's syndrome. Identifiers: Orphanet 284963, Orphanet 558, MedGen C0024796, MONDO:0007947, OMIM 154700.
Familial thoracic aortic aneurysm and aortic dissection (TAAD). Also called: Thoracic aortic aneurysms and dissections. Identifiers: Orphanet 91387, MedGen C4707243, MONDO:0019625.

Submissions (3):

Blueprint Genetics
Classification: Uncertain significance. Last evaluated: 2023-02-03. Review status: criteria provided, single submitter. Criteria: ACMG Guidelines, 2015. Collection method: clinical testing. Allele origin: germline.

Labcorp Genetics (formerly Invitae), Labcorp
Classification: Uncertain significance for Marfan syndrome; Familial thoracic aortic aneurysm and aortic dissection. Last evaluated: 2019-09-09. Review status: criteria provided, single submitter. Criteria: Invitae Variant Classification Sherloc (09022015). Collection method: clinical testing. Allele origin: germline.
Comment: This variant has been observed in individuals with clinical features of Marfan syndrome (PMID: 24793577, Invitae). ClinVar contains an entry for this variant (Variation ID: 42341). This variant is not present in population databases (ExAC no frequency). This sequence change replaces proline with serine at codon 1258 of the FBN1 protein (p.Pro1258Ser). The proline residue is highly conserved and there is a moderate physicochemical difference between proline and serine. In summary, the available evidence is currently insufficient to determine the role of this variant in disease. Therefore, it has been classified as a Variant of Uncertain Significance. Algorithms developed to predict the effect of missense changes on protein structure and function are either unavailable or do not agree on the potential impact of this missense change (SIFT: "Deleterious"; PolyPhen-2: "Probably Damaging"; Align-GVGD: "Class C0").

Laboratory for Molecular Medicine, Mass General Brigham Personalized Medicine
Classification: Uncertain significance. Last evaluated: 2008-03-01. Review status: criteria provided, single submitter. Criteria: LMM Criteria. Collection method: clinical testing. Allele origin: germline. Observed: 1 variant allele.

Literature cited by the submitters: PubMed 24793577 (cited by Labcorp Genetics (formerly Invitae), Labcorp).